The following is an entry in ClinVar:

NM_014014.5(SNRNP200):c.273G>A (p.Ser91=)

Gene: SNRNP200 (small nuclear ribonucleoprotein U5 subunit 200; minus strand). Cytogenetic location: 2q11.2.
Variant type: single nucleotide variant.
Coding change: c.273G>A on transcript NM_014014.5 (MANE Select); coding-DNA position 273, G replaced by A.
Protein change: p.Ser91=; no amino-acid change (serine 91 retained).
Molecular consequence: synonymous variant.
Genome position (GRCh38, 1-based): chr2:96,303,267, C>T on the plus strand (G>A on the coding strand, the complement: SNRNP200 is on the minus strand). VCF-style: chr2-96303267-C-T. GRCh37 (hg19) VCF-style: chr2-96969005-C-T.
Identifiers: ClinVar variation 730286 (VCV000730286.35), dbSNP rs115907254, ClinGen allele CA1779219.
Genomic context (GRCh38, chr2:96,303,267, plus strand): 5'-CTCCCGAGTCTCTTTAGTTTTGGGCTTGTAGATGATGCCCACCATCTCATCAATGCCCTC[C>T]GACAGCAGAGTATAACCCTTCATCTTGTTGATGTCATGCCGGTCCTCATCACGCTTTCTT-3'
Protein context (NP_054733.2, residues 81-101): INKMKGYTLL[Ser91=]EGIDEMVGII

ClinVar aggregate classification (germline): Benign/Likely benign. Review status: criteria provided, multiple submitters, no conflicts (2 of 4 stars). 4 submissions from 4 submitters: Benign (2); Likely benign (2). Last evaluated 2025-11-11.

Conditions:
SNRNP200-related disorder. Also called: SNRNP200-related condition.

Allele frequency attached by ClinVar (database versions not stated): gnomAD exomes 0.00019; ExAC 0.00021; 1000 Genomes Project 0.00040; 1000 Genomes Project 30x 0.00047; gnomAD 0.00065 and 0.00073; TOPMed 0.00065; ESP Exome Variant Server 0.00077.
gnomAD v4.1: 248 of 1,614,194 alleles (0.015%); highest among the groups gnomAD compares: African/African-American, 0.21%; 1 homozygote.

Submissions (4):

Labcorp Genetics (formerly Invitae), Labcorp
Classification: Benign. Last evaluated: 2025-11-11. Review status: criteria provided, single submitter. Criteria: Invitae Variant Classification Sherloc (09022015). Collection method: clinical testing. Allele origin: germline.

PreventionGenetics, part of Exact Sciences
Classification: Likely benign for SNRNP200-related condition. Last evaluated: 2024-12-10. Review status: criteria provided, single submitter. Criteria: ACMG Guidelines, 2015. Collection method: clinical testing. Allele origin: germline.
Comment: This variant is classified as likely benign based on ACMG/AMP sequence variant interpretation guidelines (Richards et al. 2015 PMID: 25741868, with internal and published modifications).

Blueprint Genetics
Classification: Benign. Last evaluated: 2024-10-16. Review status: criteria provided, single submitter. Criteria: ACMG Guidelines, 2015. Collection method: clinical testing. Allele origin: germline.

CeGaT Center for Human Genetics Tuebingen
Classification: Likely benign. Last evaluated: 2023-03-01. Review status: criteria provided, single submitter. Criteria: CeGaT Center For Human Genetics Tuebingen Variant Classification Criteria Version 2. Collection method: clinical testing. Allele origin: germline. Affected: yes. Observed: 2 variant alleles.
Comment: SNRNP200: BP4, BP7